The following is an entry in ClinVar:

ClinVar aggregate classification (germline): Likely benign (1 of 4 stars; one submission).

gnomAD v4.1: 15 of 1,601,464 alleles (0.00094%); highest among the groups gnomAD compares: Admixed American, 0.025%; no homozygotes.

Submission:

CeGaT Center for Human Genetics Tuebingen
Classification: Likely benign. Last evaluated: 2026-09-01. Review status: criteria provided, single submitter. Criteria: CeGaT Center For Human Genetics Tuebingen Variant Classification Criteria Version 2. Collection method: clinical testing. Allele origin: germline. Affected: yes. Observed: 2 variant alleles.
Comment: PRMT7: BP4, BP7

NM_019023.5(PRMT7):c.372C>G (p.Thr124=)

Gene: PRMT7 (protein arginine methyltransferase 7; plus strand). Cytogenetic location: 16q22.1.
Variant type: single nucleotide variant.
Coding change: c.372C>G on transcript NM_019023.5 (MANE Select); coding-DNA position 372, C replaced by G.
Protein change: p.Thr124=; no amino-acid change (threonine 124 retained).
Molecular consequence: synonymous variant. On other transcripts: non-coding transcript variant (11), intron variant (1).
Genome position (GRCh38, 1-based): chr16:68,329,155, C>G. VCF-style: chr16-68329155-C-G. GRCh37 (hg19) VCF-style: chr16-68363058-C-G.
Other names: c.222C>G, p.Thr74= (NM_001184824.4); c.372C>G, p.Thr124= (NM_001290018.2, NM_001351143.3, NM_001351144.3 and 1 more transcripts); c.135C>G, p.Thr45= (NM_001378021.1, NM_001378022.1, NM_001378023.1); c.184+4323C>G (NM_001378020.1).
Identifiers: ClinVar variation 5041648 (VCV005041648.1).